The following is an entry in ClinVar:

NM_001166108.2(PALLD):c.3056C>T (p.Ala1019Val)

Genes: CBR4 (carbonyl reductase 4; minus strand), PALLD (palladin, cytoskeletal associated protein; plus strand). Cytogenetic location: 4q32.3.
Variant type: single nucleotide variant.
Coding change: c.3056C>T on transcript NM_001166108.2 (MANE Select); coding-DNA position 3056, C replaced by T.
Protein change: p.Ala1019Val; replaces alanine 1019 with valine.
Molecular consequence: missense variant.
Genome position (GRCh38, 1-based): chr4:168,921,739, C>T. VCF-style: chr4-168921739-C-T. GRCh37 (hg19) VCF-style: chr4-169842890-C-T.
Other names: c.1859C>T, p.Ala620Val (NM_001166109.2); c.1544C>T, p.Ala515Val (NM_001166110.2); c.884C>T, p.Ala295Val (NM_001367567.1, NM_001367569.1); c.935C>T, p.Ala312Val (NM_001367568.1, NM_001367570.1); c.3005C>T, p.Ala1002Val (NM_016081.4); short protein forms A312V, A620V, A1019V, A295V, A1002V, A515V.
Identifiers: ClinVar variation 2563413 (VCV002563413.2), dbSNP rs2534196457, ClinGen allele CA358709955.

ClinVar aggregate classification (germline): Uncertain significance (1 of 4 stars; one submission).

Submission:

Ambry Genetics
Classification: Uncertain significance. Last evaluated: 2023-05-12. Review status: criteria provided, single submitter. Criteria: Ambry Variant Classification Scheme 2023. Collection method: clinical testing. Allele origin: germline.
Comment: The p.A1002V variant (also known as c.3005C>T), located in coding exon 16 of the PALLD gene, results from a C to T substitution at nucleotide position 3005. The alanine at codon 1002 is replaced by valine, an amino acid with similar properties. This amino acid position is conserved. In addition, this alteration is predicted to be tolerated by in silico analysis. Since supporting evidence is limited at this time, the clinical significance of this alteration remains unclear.